The following is an entry in ClinVar:

NM_004064.5(CDKN1B):c.524C>T (p.Ser175Leu)

Gene: CDKN1B (cyclin dependent kinase inhibitor 1B; plus strand). Cytogenetic location: 12p13.1.
Variant type: single nucleotide variant.
Coding change: c.524C>T on transcript NM_004064.5 (MANE Select); coding-DNA position 524, C replaced by T.
Protein change: p.Ser175Leu; replaces serine 175 with leucine.
Molecular consequence: missense variant.
Genome position (GRCh38, 1-based): chr12:12,718,873, C>T. VCF-style: chr12-12718873-C-T. GRCh37 (hg19) VCF-style: chr12-12871807-C-T.
Other names: short protein forms S175L.
Identifiers: ClinVar variation 1746345 (VCV001746345.2), dbSNP rs1946512277, ClinGen allele CA383972926.

ClinVar aggregate classification (germline): Uncertain significance (1 of 4 stars; one submission).

Conditions:
Hereditary cancer-predisposing syndrome. Also called: Hereditary Cancer Syndrome; Neoplastic Syndromes, Hereditary; Tumor predisposition; Hereditary neoplastic syndrome. Identifiers: Orphanet 140162, MedGen C0027672, MeSH D009386, MONDO:0015356.

Allele frequency attached by ClinVar (database versions not stated): gnomAD 0.00001.

Submission:

Ambry Genetics
Classification: Uncertain significance for Hereditary cancer-predisposing syndrome. Last evaluated: 2022-04-24. Review status: criteria provided, single submitter. Criteria: Ambry Variant Classification Scheme 2023. Collection method: clinical testing. Allele origin: germline.
Comment: The p.S175L variant (also known as c.524C>T), located in coding exon 2 of the CDKN1B gene, results from a C to T substitution at nucleotide position 524. The serine at codon 175 is replaced by leucine, an amino acid with dissimilar properties. This amino acid position is conserved. In addition, this alteration is predicted to be tolerated by in silico analysis. Since supporting evidence is limited at this time, the clinical significance of this alteration remains unclear.